The following is an entry in ClinVar:

ClinVar aggregate classification (germline): Uncertain significance. Review status: criteria provided, multiple submitters, no conflicts (2 of 4 stars). 2 submissions from 2 submitters: Uncertain significance (2). Last evaluated 2024-01-08.

Conditions:
Primary ciliary dyskinesia. Also called: Ciliary dyskinesia. Identifiers: Orphanet 244, MedGen C0008780, MONDO:0016575, HP:0012265.

Allele frequency attached by ClinVar (database versions not stated): gnomAD exomes 0.00002 and 0.00004; TOPMed 0.00002; ExAC 0.00006.
gnomAD v4.1: 13 of 1,613,444 alleles (0.00081%); highest among the groups gnomAD compares: Admixed American, 0.018%; no homozygotes.

Submissions (2):

Ambry Genetics
Classification: Uncertain significance. Last evaluated: 2024-01-08. Review status: criteria provided, single submitter. Criteria: Ambry Variant Classification Scheme 2023. Collection method: clinical testing. Allele origin: germline.

Labcorp Genetics (formerly Invitae), Labcorp
Classification: Uncertain significance for Primary ciliary dyskinesia. Last evaluated: 2021-08-26. Review status: criteria provided, single submitter. Criteria: Invitae Variant Classification Sherloc (09022015). Collection method: clinical testing. Allele origin: germline.
Comment: This sequence change replaces tyrosine with cysteine at codon 1468 of the DNAH8 protein (p.Tyr1468Cys). The tyrosine residue is highly conserved and there is a large physicochemical difference between tyrosine and cysteine. This variant is present in population databases (rs766707073, ExAC 0.06%). This variant has not been reported in the literature in individuals affected with DNAH8-related conditions. Algorithms developed to predict the effect of missense changes on protein structure and function are either unavailable or do not agree on the potential impact of this missense change (SIFT: "Deleterious"; PolyPhen-2: "Not Available"; Align-GVGD: "Class C0"). In summary, the available evidence is currently insufficient to determine the role of this variant in disease. Therefore, it has been classified as a Variant of Uncertain Significance.

NM_001206927.2(DNAH8):c.4403A>G (p.Tyr1468Cys)

Gene: DNAH8 (dynein axonemal heavy chain 8; plus strand). Cytogenetic location: 6p21.2.
Variant type: single nucleotide variant.
Coding change: c.4403A>G on transcript NM_001206927.2 (MANE Select); coding-DNA position 4403, A replaced by G.
Protein change: p.Tyr1468Cys; replaces tyrosine 1468 with cysteine.
Molecular consequence: missense variant.
Genome position (GRCh38, 1-based): chr6:38,837,979, A>G. VCF-style: chr6-38837979-A-G. GRCh37 (hg19) VCF-style: chr6-38805755-A-G.
Other names: c.3752A>G, p.Tyr1251Cys (NM_001371.4); short protein forms Y1468C, Y1251C.
Identifiers: ClinVar variation 454571 (VCV000454571.7), dbSNP rs766707073, ClinGen allele CA3789125.
Genomic context (GRCh38, chr6:38,837,979, plus strand): 5'-CAATTTAAAAACCTTTGTTACAGGCCAGTTTCGATGATCTGTGGAGGAAATTTGTTACGT[A>G]TTCATCTGGTGAACAACTTTTTGGATTGCCTGTGACTGATTATGAGGTTTTACACAAAAC-3'
Protein context (NP_001193856.1, residues 1458-1478): FDDLWRKFVT[Tyr1468Cys]SSGEQLFGLP